The following is an entry in ClinVar:

ClinVar aggregate classification (germline): Pathogenic/Likely pathogenic. Review status: criteria provided, multiple submitters, no conflicts (2 of 4 stars). 2 submissions from 2 submitters: Pathogenic (1); Likely pathogenic (1). Last evaluated 2025-07-21.

Conditions:
Nemaline myopathy 2 (NEM2). Also called: Nemaline myopathy 2, autosomal recessive. Identifiers: MedGen C1850569, MONDO:0009725, OMIM 256030.

Submissions (2):

Labcorp Genetics (formerly Invitae), Labcorp
Classification: Pathogenic for Nemaline myopathy 2. Last evaluated: 2025-07-21. Review status: criteria provided, single submitter. Criteria: Invitae Variant Classification Sherloc (09022015). Collection method: clinical testing. Allele origin: germline.
Comment: This variant occurs in a region of NEB (Exons 82-105) consisting of three highly homologous 8-exon repeat units (exons 82-89, exons 90-97, exons 98-105). Sequence variants in this region can be detected, but this assay cannot determine which of the three repeat units is affected, and zygosity is often ambiguous. All variants in this region are reported relative to the exon 82-89 repeat. This sequence change creates a premature translational stop signal (p.Asn4450Metfs*19) in the NEB gene. It is expected to result in an absent or disrupted protein product. Loss-of-function variants in NEB are known to be pathogenic (PMID: 25205138). The frequency data for this variant in the population databases (gnomAD) is considered unreliable due to the presence of homologous sequence, such as pseudogenes or paralogs, in the genome. This variant has not been reported in the literature in individuals affected with NEB-related conditions. ClinVar contains an entry for this variant (Variation ID: 1075109). For these reasons, this variant has been classified as Pathogenic.

Natera, Inc.
Classification: Likely pathogenic for Nemaline myopathy type 2. Last evaluated: 2024-09-18. Review status: criteria provided, single submitter. Criteria: Natera Variant Classification Schema (03/2026). Collection method: clinical testing. Allele origin: germline.
Comment: The c.13347del variant in NEB is a frameshift variant predicted to shift the reading frame beginning at codon 4450 and leads to a stop codon 19 codons downstream. This variant is expected to result in nonsense mediated decay, truncation, or a dysfunctional protein product. This variant is rare in the general population with a frequency below the threshold expected for the associated phenotype(s). Given the available evidence, this variant is classified as Likely Pathogenic.

Literature cited by the submitters: PubMed 25205138 (cited by Labcorp Genetics (formerly Invitae), Labcorp).

NM_001164508.2(NEB):c.13347del (p.Asn4450fs)

Gene: NEB (nebulin; minus strand). Cytogenetic location: 2q23.3.
Variant type: Deletion.
Coding change: c.13347del on transcript NM_001164508.2 (MANE Select); coding-DNA position 13347, one base deleted (C; older notation c.13347delC).
Protein change: p.Asn4450fs; shifts the reading frame from asparagine 4450.
Molecular consequence: frameshift variant. On other transcripts: intron variant (1).
Genome position (GRCh38, 1-based): chr2:151,602,608, G deleted on the plus strand (C on the coding strand, the reverse complement: NEB is on the minus strand). VCF-style (leftmost placement, unchanged base first): chr2-151602607-TG-T. GRCh37 (hg19) VCF-style: chr2-152459121-TG-T.
Other names: c.13347del, p.Asn4450fs (NM_001164507.2, NM_001271208.2); c.11601+7201del (NM_004543.5); c.13347del (NM_001271208.1); short protein forms N4450fs.
Identifiers: ClinVar variation 1075109 (VCV001075109.8), dbSNP rs2153925061, ClinGen allele CA2499215063.